The following is an entry in ClinVar:

ClinVar aggregate classification (germline): Benign. Review status: criteria provided, multiple submitters, no conflicts (2 of 4 stars). 4 submissions from 4 submitters: Benign (4). Last evaluated 2026-01-26.

Conditions:
Auriculocondylar syndrome 2 (ARCND2A). Also called: AURICULOCONDYLAR SYNDROME 2A. Identifiers: Orphanet 137888, MedGen C3553404, MONDO:0013845, OMIM 614669.

Allele frequency attached by ClinVar (database versions not stated): gnomAD exomes 0.05901 and 0.06004; ExAC 0.06309; 1000 Genomes Project 0.06869; 1000 Genomes Project 30x 0.07011; gnomAD 0.08490 and 0.08857; TOPMed 0.08885; ESP Exome Variant Server 0.09342.
gnomAD v4.1: 88,177 of 1,420,634 alleles (6.2%); highest among the groups gnomAD compares: African/African-American, 16%; 3,460 homozygotes.

Submissions (4):

Labcorp Genetics (formerly Invitae), Labcorp
Classification: Benign. Last evaluated: 2026-01-26. Review status: criteria provided, single submitter. Criteria: Invitae Variant Classification Sherloc (09022015). Collection method: clinical testing. Allele origin: germline.

GeneDx
Classification: Benign. Last evaluated: 2021-05-04. Review status: criteria provided, single submitter. Criteria: GeneDx Variant Classification Process June 2021. Collection method: clinical testing. Allele origin: germline. Affected: yes.

Illumina Laboratory Services, Illumina
Classification: Benign for Auriculocondylar syndrome 2. Last evaluated: 2018-01-13. Review status: criteria provided, single submitter. Criteria: ICSL Variant Classification Criteria 13 December 2019. Collection method: clinical testing. Allele origin: germline.
Comment: This variant was observed in the ICSL laboratory as part of a predisposition screen in an ostensibly healthy population. It had not been previously curated by ICSL or reported in the Human Gene Mutation Database (HGMD: prior to June 1st, 2018), and was therefore a candidate for classification through an automated scoring system. Utilizing variant allele frequency, disease prevalence and penetrance estimates, and inheritance mode, an automated score was calculated to assess if this variant is too frequent to cause the disease. Based on the score and internal cut-off values, a variant classified as benign is not then subjected to further curation. The score for this variant resulted in a classification of benign for this disease.

Breakthrough Genomics
Classification: Benign. Review status: criteria provided, single submitter. Criteria: ACMG Guidelines, 2015. Collection method: not provided. Allele origin: germline. Inheritance: Autosomal dominant inheritance. Affected: yes.

NM_001377142.1(PLCB4):c.1065-8A>G

Gene: PLCB4 (phospholipase C beta 4; plus strand). Cytogenetic location: 20p12.2.
Variant type: single nucleotide variant.
Coding change: c.1065-8A>G on transcript NM_001377142.1 (MANE Select); 8 bases into the intron before coding-DNA position 1065, A replaced by G.
Molecular consequence: intron variant.
Genome position (GRCh38, 1-based): chr20:9,387,455, A>G. VCF-style: chr20-9387455-A-G. GRCh37 (hg19) VCF-style: chr20-9368102-A-G.
Other names: c.1065-8A>G (NM_001377134.2, NM_000933.4, NM_182797.3 and 4 more transcripts).
Identifiers: ClinVar variation 339560 (VCV000339560.14), dbSNP rs7265290, ClinGen allele CA9760985.